The following is an entry in ClinVar:

NM_005450.6(NOG):c.286G>A (p.Gly96Arg)

Gene: NOG (noggin; plus strand). Cytogenetic location: 17q22.
Variant type: single nucleotide variant.
Coding change: c.286G>A on transcript NM_005450.6 (MANE Select); coding-DNA position 286, G replaced by A.
Protein change: p.Gly96Arg; replaces glycine 96 with arginine.
Molecular consequence: missense variant.
Genome position (GRCh38, 1-based): chr17:56,594,509, G>A. VCF-style: chr17-56594509-G-A. GRCh37 (hg19) VCF-style: chr17-54671870-G-A.
Other names: short protein forms G96R.
Identifiers: ClinVar variation 1439870 (VCV001439870.6), dbSNP rs1474106355, ClinGen allele CA399965448.

ClinVar aggregate classification (germline): Uncertain significance (1 of 4 stars; one submission).

Allele frequency attached by ClinVar (database versions not stated): gnomAD exomes below 0.00001; TOPMed below 0.00001.

Submission:

Labcorp Genetics (formerly Invitae), Labcorp
Classification: Uncertain significance. Last evaluated: 2025-11-11. Review status: criteria provided, single submitter. Criteria: Invitae Variant Classification Sherloc (09022015). Collection method: clinical testing. Allele origin: germline.
Comment: This sequence change replaces glycine, which is neutral and non-polar, with arginine, which is basic and polar, at codon 96 of the NOG protein (p.Gly96Arg). This variant is present in population databases (no rsID available, gnomAD no frequency). This variant has not been reported in the literature in individuals affected with NOG-related conditions. ClinVar contains an entry for this variant (Variation ID: 1439870). An algorithm developed to predict the effect of missense changes on protein structure and function (PolyPhen-2) suggests that this variant is likely to be tolerated. In summary, the available evidence is currently insufficient to determine the role of this variant in disease. Therefore, it has been classified as a Variant of Uncertain Significance.